The following is an entry in ClinVar:

ClinVar aggregate classification (germline): Pathogenic/Likely pathogenic. Review status: criteria provided, multiple submitters, no conflicts (2 of 4 stars). 3 submissions from 3 submitters: Pathogenic (1); Likely pathogenic (1). 1 of the submissions does not count toward it. Last evaluated 2021-08-27.

Conditions:
Alstrom syndrome (ALMS). Identifiers: Orphanet 64, MedGen C0268425, MONDO:0008763, OMIM 203800.

Submissions (3):

Labcorp Genetics (formerly Invitae), Labcorp
Classification: Pathogenic for Alstrom syndrome. Last evaluated: 2021-08-27. Review status: criteria provided, single submitter. Criteria: Invitae Variant Classification Sherloc (09022015). Collection method: clinical testing. Allele origin: germline.
Comment: For these reasons, this variant has been classified as Pathogenic. ClinVar contains an entry for this variant (Variation ID: 554031). This variant has not been reported in the literature in individuals affected with ALMS1-related conditions. This variant is not present in population databases (ExAC no frequency). This sequence change creates a premature translational stop signal (p.Pro2281Leufs*63) in the ALMS1 gene. It is expected to result in an absent or disrupted protein product. Loss-of-function variants in ALMS1 are known to be pathogenic (PMID: 17594715).

Neuberg Centre For Genomic Medicine, NCGM
Classification: Likely pathogenic for Alstrom syndrome. Review status: criteria provided, single submitter. Criteria: ACMG Guidelines, 2015. Collection method: clinical testing. Allele origin: germline. Inheritance: Autosomal recessive inheritance. Affected: yes.
Comment: The frame shift c.6834del(p.Pro2279LeufsTer63) variant in ALMS1 gene has been submitted to the ClinVar database as Pathogenic / Likely Pathogenic. The observed variant has allele frequency of 0.0004% in gnomAD exomes database. This variant causes a frameshift starting with codon Proline 2279, changes this amino acid to Leucine residue, and creates a premature Stop codon at position 63 of the new reading frame, denoted p.Pro2279LeufsTer63. This variant is predicted to cause loss of normal protein function through protein truncation. Loss-of-function variants in ALMS1 are known to be pathogenic (Marshall et. al., 2007). However, functional studies will be required to confirm the pathogenicity of the variant. For these reasons, this variant has been classified as Likely Pathogenic.

Counsyl
Classification: Likely pathogenic for Alstrom syndrome. Last evaluated: 2017-09-24. Review status: no assertion criteria provided. Collection method: clinical testing. Allele origin: unknown. Not counted in ClinVar's aggregate classification.

Literature cited by the submitters: PubMed 17594715 (cited by Labcorp Genetics (formerly Invitae), Labcorp).

NM_001378454.1(ALMS1):c.6837del (p.Pro2280fs)

Gene: ALMS1 (ALMS1 centrosome and basal body associated protein; plus strand). Cytogenetic location: 2p13.1.
Variant type: Deletion.
Coding change: c.6837del on transcript NM_001378454.1 (MANE Select); coding-DNA position 6837, one base deleted (T; older notation c.6837delT).
Protein change: p.Pro2280fs; shifts the reading frame from proline 2280.
Molecular consequence: frameshift variant.
Genome position (GRCh38, 1-based): chr2:73,453,364, T deleted; the last of 4 consecutive T bases (chr2:73,453,361-73,453,364); deleting any one gives the same sequence. VCF-style (leftmost placement, unchanged base first): chr2-73453360-AT-A. GRCh37 (hg19) VCF-style: chr2-73680487-AT-A.
Other names: c.6840delT (NM_015120.4); c.6834del (NM_001378454.1); c.6840del, p.Pro2281fs (NM_015120.4); short protein forms P2281fs, P2280fs.
Identifiers: ClinVar variation 554031 (VCV000554031.9), dbSNP rs1553404337, ClinGen allele CA534125687.